The following is an entry in ClinVar:

ClinVar aggregate classification (germline): Pathogenic (1 of 4 stars; one submission).

Submission:

Dasa
Classification: Pathogenic. Last evaluated: 2025-11-04. Review status: criteria provided, single submitter. Criteria: DASA Assertion Criteria. Collection method: clinical testing. Allele origin: germline.
Comment: NM_001384732.1(CPLANE1):c.7476del (p.Arg2493Aspfs*6) introduces a premature termination codon predicted to result in loss of normal protein function. Loss-of-function is an established mechanism of disease for this gene. This variant has been reported in an affected individual with related phenotype in a genotype context consistent with recessive disease (PMID: 27141300). The variant is present at low frequency in population datasets. Based on the available data, this variant is classified as pathogenic.

Literature cited by the submitters: PubMed 27141300.

NM_001384732.1(CPLANE1):c.7476del (p.Arg2493fs)

Gene: CPLANE1 (ciliogenesis and planar polarity effector complex subunit 1; minus strand). Cytogenetic location: 5p13.2.
Variant type: Deletion.
Coding change: c.7476del on transcript NM_001384732.1 (MANE Select); coding-DNA position 7476, one base deleted (T; older notation c.7476delT).
Protein change: p.Arg2493fs; shifts the reading frame from arginine 2493.
Molecular consequence: frameshift variant.
Genome position (GRCh38, 1-based): chr5:37,165,596, A deleted on the plus strand (T on the coding strand, the reverse complement: CPLANE1 is on the minus strand); the first of 4 consecutive A bases (chr5:37,165,596-37,165,599); deleting any one gives the same sequence. VCF-style (leftmost placement, unchanged base first): chr5-37165595-GA-G. GRCh37 (hg19) VCF-style: chr5-37165697-GA-G.
Other names: c.7476del, p.Arg2493fs (NM_023073.4); short protein forms R2493fs.
Identifiers: ClinVar variation 4851997 (VCV004851997.1).
Genomic context (GRCh38, chr5:37,165,595, plus strand): 5'-ATACCTTGGGTTTCTTAATGATTTCTGAATCATCATTATTAATTATGGAATTCTCTGGTC[GA>G]AAAGTCACATTTGGTTTTCTCCTCAGTTTCTCACATCTTTTTTCTTGCAGCTCTTTCTCA-3'